The following is an entry in ClinVar:

ClinVar aggregate classification (germline): Pathogenic (1 of 4 stars; one submission).

Conditions:
Polycystic kidney disease, adult type (PKD1). Also called: POLYCYSTIC KIDNEY DISEASE 1 WITH OR WITHOUT POLYCYSTIC LIVER DISEASE; POLYCYSTIC KIDNEY DISEASE, ADULT, TYPE I; Polycystic Kidney Disease 1, Autosomal Dominant; Polycystic kidney disease 1; Polycystic kidney disease 1, severe; Polycystic Kidney, Autosomal Dominant. Identifiers: MedGen C3149841, MONDO:0008263, OMIM 173900.

Submission:

Juno Genomics, Hangzhou Juno Genomics, Inc
Classification: Pathogenic for Polycystic kidney disease, adult type. Review status: criteria provided, single submitter. Criteria: ACMG Guidelines, 2015. Collection method: clinical testing. Allele origin: germline. Affected: yes.
Comment: Absent from controls (or at extremely low frequency if recessive) in Genome Aggregation Database.;Null variant in a gene where loss of function (LOF) is a known mechanism of disease.;The prevalence of the variant in affected individuals is significantly increased compared to the prevalence in controls.

NM_001009944.3(PKD1):c.1615C>T (p.Gln539Ter)

Gene: PKD1 (polycystin 1, transient receptor potential channel interacting; minus strand). Cytogenetic location: 16p13.3.
Variant type: single nucleotide variant.
Coding change: c.1615C>T on transcript NM_001009944.3 (MANE Select); coding-DNA position 1615, C replaced by T.
Protein change: p.Gln539Ter; replaces glutamine 539 with a stop codon.
Molecular consequence: nonsense.
Genome position (GRCh38, 1-based): chr16:2,116,636, G>A on the plus strand (C>T on the coding strand, the complement: PKD1 is on the minus strand). VCF-style: chr16-2116636-G-A. GRCh37 (hg19) VCF-style: chr16-2166637-G-A.
Other names: c.1615C>T, p.Gln539Ter (NM_000296.4); short protein forms Q539*.
Identifiers: ClinVar variation 5020016 (VCV005020016.1).
Genomic context (GRCh38, chr16:2,116,636, plus strand): 5'-GCGTCAGGGGTCCCTGCAGGTCCCCACTGGGCGCTCCCACGAGGAGGTTCTCGGCATCCT[G>A]CACTGGGCCTGGGGTGGCGAGTGCACAGTGAGGCGCCGGGCCAGGGCCCAGGACACCAGG-3'